The following is an entry in ClinVar:

ClinVar aggregate classification (germline): Uncertain significance. Review status: criteria provided, multiple submitters, no conflicts (2 of 4 stars). 2 submissions from 2 submitters: Uncertain significance (2). Last evaluated 2025-02-06.

Allele frequency attached by ClinVar (database versions not stated): ExAC 0.00002; gnomAD 0.00005; TOPMed 0.00005; gnomAD exomes 0.00009.
gnomAD v4.1: 135 of 1,613,722 alleles (0.0084%); highest among the groups gnomAD compares: African/African-American, 0.011%; 1 homozygote.

Submissions (2):

Labcorp Genetics (formerly Invitae), Labcorp
Classification: Uncertain significance. Last evaluated: 2025-02-06. Review status: criteria provided, single submitter. Criteria: Invitae Variant Classification Sherloc (09022015). Collection method: clinical testing. Allele origin: germline.
Comment: This sequence change replaces arginine, which is basic and polar, with histidine, which is basic and polar, at codon 420 of the SULF1 protein (p.Arg420His). This variant is present in population databases (rs201100928, gnomAD 0.006%). This variant has not been reported in the literature in individuals affected with SULF1-related conditions. ClinVar contains an entry for this variant (Variation ID: 2510536). An algorithm developed to predict the effect of missense changes on protein structure and function (PolyPhen-2) suggests that this variant is likely to be tolerated. In summary, the available evidence is currently insufficient to determine the role of this variant in disease. Therefore, it has been classified as a Variant of Uncertain Significance.

Ambry Genetics
Classification: Uncertain significance. Last evaluated: 2023-05-18. Review status: criteria provided, single submitter. Criteria: Ambry Variant Classification Scheme 2023. Collection method: clinical testing. Allele origin: germline.

NM_001128205.2(SULF1):c.1259G>A (p.Arg420His)

Gene: SULF1 (sulfatase 1; plus strand). Cytogenetic location: 8q13.3.
Variant type: single nucleotide variant.
Coding change: c.1259G>A on transcript NM_001128205.2 (MANE Select); coding-DNA position 1259, G replaced by A.
Protein change: p.Arg420His; replaces arginine 420 with histidine.
Molecular consequence: missense variant. On other transcripts: non-coding transcript variant (7), intron variant (1).
Genome position (GRCh38, 1-based): chr8:69,604,814, G>A. VCF-style: chr8-69604814-G-A. GRCh37 (hg19) VCF-style: chr8-70517049-G-A.
Other names: c.1259G>A, p.Arg420His (NM_001128204.2, NM_001128206.2, NM_001412828.1 and 10 more transcripts); c.1130G>A, p.Arg377His (NM_001412832.1, NM_001412838.1, NM_001412839.1 and 1 more transcripts); c.1202G>A, p.Arg401His (NM_001412836.1, NM_001412837.1); c.1073G>A, p.Arg358His (NM_001412841.1, NM_001412842.1); c.659G>A, p.Arg220His (NM_001412844.1, NM_001412845.1); c.-528-5G>A (NM_001412846.1); short protein forms R220H, R358H, R377H, R401H, R420H.
Identifiers: ClinVar variation 2510536 (VCV002510536.3), dbSNP rs201100928, ClinGen allele CA4775841.